The following is an entry in ClinVar:

ClinVar aggregate classification (germline): Uncertain significance. Review status: criteria provided, multiple submitters, no conflicts (2 of 4 stars). 2 submissions from 2 submitters: Uncertain significance (2). Last evaluated 2023-10-23.

Conditions:
Familial thoracic aortic aneurysm and aortic dissection (TAAD). Also called: Thoracic aortic aneurysms and dissections. Identifiers: Orphanet 91387, MedGen C4707243, MONDO:0019625.
Marfan syndrome (MFS). Also called: FBN1-Related Marfan Syndrome; Marfan syndrome type 1; Marfan's syndrome; Marfan syndrome, classic; MARFAN SYNDROME, TYPE I. Identifiers: Orphanet 284963, Orphanet 558, MedGen C0024796, MONDO:0007947, OMIM 154700.

Allele frequency attached by ClinVar (database versions not stated): gnomAD exomes 0.00002 and 0.00003; gnomAD 0.00001; ExAC 0.00002.
gnomAD v4.1: 14 of 1,613,714 alleles (0.00087%); highest among the groups gnomAD compares: Non-Finnish European, 0.00025%; no homozygotes.

Submissions (2):

All of Us Research Program, National Institutes of Health
Classification: Uncertain significance for Marfan syndrome. Last evaluated: 2023-10-23. Review status: criteria provided, single submitter. Criteria: ACMG Guidelines, 2015. Collection method: clinical testing. Allele origin: germline. Inheritance: Autosomal dominant inheritance. Observed: 1 variant allele, 1 heterozygote.
Comment: This missense variant replaces glutamic acid with alanine at codon 487 of the FBN1 protein. Computational prediction is inconclusive regarding the impact of this variant on protein structure and function (internally defined REVEL score threshold 0.5 < inconclusive < 0.7, PMID: 27666373). To our knowledge, functional studies have not been reported for this variant. This variant has not been reported in individuals affected with FBN1-related disorders in the literature. This variant has been identified in 9/282518 chromosomes in the general population by the Genome Aggregation Database (gnomAD). The available evidence is insufficient to determine the role of this variant in disease conclusively. Therefore, this variant is classified as a Variant of Uncertain Significance.

This study involves interpretation of variants in research participants for the purpose of population health screening. Participant phenotype was not available at the time of variant classification. Additional details can be found in publication PMID: 35346344, PMCID: PMC8962531

Color Diagnostics, LLC DBA Color Health
Classification: Uncertain significance for Familial thoracic aortic aneurysm and aortic dissection. Last evaluated: 2023-09-27. Review status: criteria provided, single submitter. Criteria: ACMG Guidelines, 2015. Collection method: clinical testing. Allele origin: germline.
Comment: This missense variant replaces glutamic acid with alanine at codon 487 of the FBN1 protein. Computational prediction is inconclusive regarding the impact of this variant on protein structure and function (internally defined REVEL score threshold 0.5 < inconclusive < 0.7, PMID: 27666373). To our knowledge, functional studies have not been reported for this variant. This variant has not been reported in individuals affected with FBN1-related disorders in the literature. This variant has been identified in 9/282518 chromosomes in the general population by the Genome Aggregation Database (gnomAD). The available evidence is insufficient to determine the role of this variant in disease conclusively. Therefore, this variant is classified as a Variant of Uncertain Significance.

NM_000138.5(FBN1):c.1460A>C (p.Glu487Ala)

Gene: FBN1 (fibrillin 1; minus strand). Cytogenetic location: 15q21.1.
Variant type: single nucleotide variant.
Coding change: c.1460A>C on transcript NM_000138.5 (MANE Select); coding-DNA position 1460, A replaced by C.
Protein change: p.Glu487Ala; replaces glutamic acid 487 with alanine.
Molecular consequence: missense variant.
Genome position (GRCh38, 1-based): chr15:48,515,395, T>G on the plus strand (A>C on the coding strand, the complement: FBN1 is on the minus strand). VCF-style: chr15-48515395-T-G. GRCh37 (hg19) VCF-style: chr15-48807592-T-G.
Other names: short protein forms E487A.
Identifiers: ClinVar variation 629467 (VCV000629467.5), dbSNP rs763431921, ClinGen allele CA044667.